The following is an entry in ClinVar:

NM_147127.5(EVC2):c.3091C>G (p.Gln1031Glu)

Gene: EVC2 (EvC ciliary complex subunit 2; minus strand). Cytogenetic location: 4p16.2.
Variant type: single nucleotide variant.
Coding change: c.3091C>G on transcript NM_147127.5 (MANE Select); coding-DNA position 3091, C replaced by G.
Protein change: p.Gln1031Glu; replaces glutamine 1031 with glutamic acid.
Molecular consequence: missense variant.
Genome position (GRCh38, 1-based): chr4:5,576,421, G>C on the plus strand (C>G on the coding strand, the complement: EVC2 is on the minus strand). VCF-style: chr4-5576421-G-C. GRCh37 (hg19) VCF-style: chr4-5578148-G-C.
Other names: c.2851C>G, p.Gln951Glu (NM_001166136.2); short protein forms Q1031E, Q951E.
Identifiers: ClinVar variation 348990 (VCV000348990.7), dbSNP rs370438593, ClinGen allele CA2834447.
Genomic context (GRCh38, chr4:5,576,421, plus strand): 5'-CCCACTGCTGCCAGCTCGCCAGGGCCTGCTGCTGCTGGGCTGCCTCCTGCTGCACCAGCT[G>C]GTCCTCCAGCTTCCTCTCCAACTCCTGGAGCTCCTACACAAGGAAGGGGCAGAGGGTAAG-3'
Protein context (NP_667338.3, residues 1021-1041): LQELERKLED[Gln1031Glu]LVQQEAAQQQ

ClinVar aggregate classification (germline): Uncertain significance. Review status: criteria provided, multiple submitters, no conflicts (2 of 4 stars). 3 submissions from 3 submitters: Uncertain significance (3). Last evaluated 2025-05-04.

Conditions:
Inborn genetic diseases. Identifiers: MedGen C0950123, MeSH D030342.
Ellis-van Creveld syndrome (EVC). Also called: EVC-Related Ellis-van Creveld Syndrome; EVC2-Related Ellis-van Creveld Syndrome; MESOECTODERMAL DYSPLASIA; Chondroectodermal dysplasia. Identifiers: Orphanet 289, MedGen C0013903, MONDO:0009162, OMIM 225500.
Curry-Hall syndrome (WAD). Also called: WEYERS ACRODENTAL DYSOSTOSIS. Identifiers: Orphanet 952, MedGen C0457013, MONDO:0008673, OMIM 193530.

Allele frequency attached by ClinVar (database versions not stated): TOPMed 0.00003.
gnomAD v4.1: 172 of 1,610,066 alleles (0.011%); highest among the groups gnomAD compares: Non-Finnish European, 0.014%; no homozygotes.

Submissions (3):

Ambry Genetics
Classification: Uncertain significance for Inborn genetic diseases. Last evaluated: 2025-05-04. Review status: criteria provided, single submitter. Criteria: Ambry Variant Classification Scheme 2023. Collection method: clinical testing. Allele origin: germline.

Labcorp Genetics (formerly Invitae), Labcorp
Classification: Uncertain significance for Curry-Hall syndrome; Ellis-van Creveld syndrome. Last evaluated: 2021-11-05. Review status: criteria provided, single submitter. Criteria: Invitae Variant Classification Sherloc (09022015). Collection method: clinical testing. Allele origin: germline.
Comment: This sequence change replaces glutamine, which is neutral and polar, with glutamic acid, which is acidic and polar, at codon 1031 of the EVC2 protein (p.Gln1031Glu). This variant is present in population databases (rs370438593, gnomAD 0.01%). This variant has not been reported in the literature in individuals affected with EVC2-related conditions. ClinVar contains an entry for this variant (Variation ID: 348990). Algorithms developed to predict the effect of missense changes on protein structure and function output the following: SIFT: "Tolerated"; PolyPhen-2: "Benign"; Align-GVGD: "Class C0". The glutamic acid amino acid residue is found in multiple mammalian species, which suggests that this missense change does not adversely affect protein function. In summary, the available evidence is currently insufficient to determine the role of this variant in disease. Therefore, it has been classified as a Variant of Uncertain Significance.

Illumina Laboratory Services, Illumina
Classification: Uncertain significance for Ellis-van Creveld syndrome. Last evaluated: 2018-01-12. Review status: criteria provided, single submitter. Criteria: ICSL Variant Classification Criteria 13 December 2019. Collection method: clinical testing. Allele origin: germline.